The following is an entry in ClinVar:

NM_199069.2(NDUFAF3):c.79G>A (p.Ala27Thr)

Genes: NDUFAF3 (NADH:ubiquinone oxidoreductase complex assembly factor 3; plus strand), LOC129936730 (ATAC-STARR-seq lymphoblastoid silent region 14350; plus strand). Cytogenetic location: 3p21.31.
Variant type: single nucleotide variant.
Coding change: c.79G>A on transcript NM_199069.2 (MANE Select); coding-DNA position 79, G replaced by A.
Protein change: p.Ala27Thr; replaces alanine 27 with threonine.
Molecular consequence: missense variant. On other transcripts: 5 prime UTR variant (3).
Genome position (GRCh38, 1-based): chr3:49,022,347, G>A. VCF-style: chr3-49022347-G-A. GRCh37 (hg19) VCF-style: chr3-49059780-G-A.
Other names: c.-93G>A (NM_199070.2, NM_199073.2, NM_199074.2); short protein forms A27T.
Identifiers: ClinVar variation 2135416 (VCV002135416.4), dbSNP rs2093168134, ClinGen allele CA352726832.

ClinVar aggregate classification (germline): Uncertain significance (1 of 4 stars; one submission).

Submission:

Labcorp Genetics (formerly Invitae), Labcorp
Classification: Uncertain significance. Last evaluated: 2022-05-08. Review status: criteria provided, single submitter. Criteria: Invitae Variant Classification Sherloc (09022015). Collection method: clinical testing. Allele origin: germline.
Comment: This sequence change replaces alanine, which is neutral and non-polar, with threonine, which is neutral and polar, at codon 27 of the NDUFAF3 protein (p.Ala27Thr). This variant is not present in population databases (gnomAD no frequency). This variant has not been reported in the literature in individuals affected with NDUFAF3-related conditions. Algorithms developed to predict the effect of missense changes on protein structure and function output the following: SIFT: "Tolerated"; PolyPhen-2: "Benign"; Align-GVGD: "Class C0". The threonine amino acid residue is found in multiple mammalian species, which suggests that this missense change does not adversely affect protein function. In summary, the available evidence is currently insufficient to determine the role of this variant in disease. Therefore, it has been classified as a Variant of Uncertain Significance.